The following is an entry in ClinVar:

ClinVar aggregate classification (germline): Likely pathogenic (0 of 4 stars; one submission).

Conditions:
Treacher Collins syndrome 1 (TCS1). Also called: TCOF1-Related Treacher Collins Syndrome. Identifiers: Orphanet 861, MedGen CN315775, MONDO:0007944, OMIM 154500.

Submission:

Diagnostics Centre, Carl Von Ossietzky University Oldenburg
Classification: Likely pathogenic for Treacher Collins syndrome 1. Last evaluated: 2025-06-30. Review status: no assertion criteria provided. Collection method: clinical testing. Allele origin: germline. Affected: yes. Observed: 1 variant allele.
Comment: The variant TCOF1:c.447dup p.(Asn150Glnfs*25) located in the exon 5 of the TCOF gene results in a frameshift at protein position 447 and the formation of a premature stop codon after 25 amino acids. The variant affects an exon [5/27] present in a biologically relevant transcript and is predicted to cause protein truncation/absent due to nonsense mediated decay, in a gene where loss-of-function is a known mechanism of disease. The variant has not yet been described in Clinvar or in any publications known to us. The variant is classified as very rare since it is absent in gnomAD v4.1.0. In summary, the variant is classified as Likely pathogenic.

NM_001371623.1(TCOF1):c.447dup (p.Asn150fs)

Gene: TCOF1 (treacle ribosome biogenesis factor 1; plus strand). Cytogenetic location: 5q32.
Variant type: Duplication.
Coding change: c.447dup on transcript NM_001371623.1 (MANE Select); coding-DNA position 447, one base duplicated (C; older notation c.447dupC).
Protein change: p.Asn150fs; shifts the reading frame from asparagine 150.
Molecular consequence: frameshift variant.
Genome position (GRCh38, 1-based): chr5:150,368,784, C duplicated; the last of 2 consecutive C bases (chr5:150,368,783-150,368,784); duplicating either gives the same sequence. VCF-style (leftmost placement, unchanged base first): chr5-150368782-G-GC. GRCh37 (hg19) VCF-style: chr5-149748345-G-GC.
Other names: c.447dup, p.Asn150fs (NM_000356.4, NM_001008657.3, NM_001135243.2 and 4 more transcripts); short protein forms N150fs.
Identifiers: ClinVar variation 4845252 (VCV004845252.1).
Genomic context (GRCh38, chr5:150,368,782, plus strand): 5'-ACAGAGAAAGCTGGCAAGACTGGGAATTCCATGCCACACCCTGCCACTGGGAAGACGGTG[G>GC]CCAACCTTCTTTCTGGGAAGTCTCCCAGGAAGTCAGCAGAGCCCTCAGCAAATACTACGT-3'